The following is an entry in ClinVar:

ClinVar aggregate classification (germline): Uncertain significance (1 of 4 stars; one submission).

Conditions:
Cardiovascular phenotype. Identifiers: MedGen CN230736.

Allele frequency attached by ClinVar (database versions not stated): gnomAD exomes below 0.00001.
gnomAD v4.1: 2 of 1,612,576 alleles (0.00012%); highest among the groups gnomAD compares: Non-Finnish European, 0.00017%; no homozygotes.

Submission:

Ambry Genetics
Classification: Uncertain significance for Cardiovascular phenotype. Last evaluated: 2017-09-06. Review status: criteria provided, single submitter. Criteria: Ambry Variant Classification Scheme 2023. Collection method: clinical testing. Allele origin: germline.
Comment: The p.V75G variant (also known as c.224T>G), located in coding exon 2 of the GPD1L gene, results from a T to G substitution at nucleotide position 224. The valine at codon 75 is replaced by glycine, an amino acid with dissimilar properties. This amino acid position is highly conserved in available vertebrate species. In addition, this alteration is predicted to be deleterious by in silico analysis. Since supporting evidence is limited at this time, the clinical significance of this alteration remains unclear.

NM_015141.4(GPD1L):c.224T>G (p.Val75Gly)

Gene: GPD1L (glycerol-3-phosphate dehydrogenase 1 like; plus strand). Cytogenetic location: 3p22.3.
Variant type: single nucleotide variant.
Coding change: c.224T>G on transcript NM_015141.4 (MANE Select); coding-DNA position 224, T replaced by G.
Protein change: p.Val75Gly; replaces valine 75 with glycine.
Molecular consequence: missense variant.
Genome position (GRCh38, 1-based): chr3:32,128,252, T>G. VCF-style: chr3-32128252-T-G. GRCh37 (hg19) VCF-style: chr3-32169744-T-G.
Other names: short protein forms V75G.
Identifiers: ClinVar variation 519504 (VCV000519504.5), dbSNP rs1553658277, ClinGen allele CA351973580.